The following is an entry in ClinVar:

ClinVar aggregate classification (germline): Uncertain significance. Review status: criteria provided, multiple submitters, no conflicts (2 of 4 stars). 2 submissions from 2 submitters: Uncertain significance (2). Last evaluated 2024-01-10.

Conditions:
Hyperinsulinemic hypoglycemia, familial, 1 (HHF1). Also called: HYPERINSULINISM, FAMILIAL, WITH PANCREATIC NESIDIOBLASTOSIS; HYPOGLYCEMIA, HYPERINSULINEMIC, OF INFANCY; Persistent Hyperinsulinemia Hypoglycemia of Infancy; NESIDIOBLASTOSIS OF PANCREAS; Persistent hyperinsulinemic hypoglycemia of infancy. Identifiers: Orphanet 276575, Orphanet 276598, MedGen C2931832, MONDO:0009734, OMIM 256450.

Allele frequency attached by ClinVar (database versions not stated): TOPMed below 0.00001; gnomAD 0.00001; gnomAD exomes 0.00001.

Submissions (2):

Women's Health and Genetics/Laboratory Corporation of America, LabCorp
Classification: Uncertain significance. Last evaluated: 2024-01-10. Review status: criteria provided, single submitter. Criteria: LabCorp Variant Classification Summary - May 2015. Collection method: clinical testing. Allele origin: germline.
Comment: Variant summary: ABCC8 c.1112C>T (p.Thr371Ile) results in a non-conservative amino acid change located in the ABC transporter type 1, transmembrane domain (IPR011527) of the encoded protein sequence. Three of five in-silico tools predict a damaging effect of the variant on protein function. The variant allele was found at a frequency of 8e-06 in 251484 control chromosomes (gnomAD). The available data on variant occurrences in the general population are insufficient to allow any conclusion about variant significance. c.1112C>T has been reported in the literature in one individual affected with Familial Hyperinsulinism (De Franco_2020). These data do not allow any conclusion about variant significance. To our knowledge, no experimental evidence demonstrating an impact on protein function has been reported. The following publication have been ascertained in the context of this evaluation (PMID: 32027066). ClinVar contains an entry for this variant (Variation ID: 2576214). Based on the evidence outlined above, the variant was classified as uncertain significance.

Broad Center for Mendelian Genomics, Broad Institute of MIT and Harvard
Classification: Uncertain significance for Hyperinsulinemic hypoglycemia, familial, 1. Last evaluated: 2023-08-16. Review status: criteria provided, single submitter. Criteria: ACMG Guidelines, 2015. Collection method: curation. Allele origin: germline. Inheritance: Autosomal recessive inheritance.
Comment: The p.Thr371Ile variant in ABCC8 has been reported in 1 individual with hyperinsulinemic hypoglycemia (PMID: 32027066), and has been seen in 0.006% (2/34592) of Latino/Admixed American chromosomes by the Genome Aggregation Database (gnomAD; dbSNP: rs1305716949). Although this variant has been seen in the general population in a heterozygous state, its frequency is low enough to be consistent with a recessive carrier frequency. Computational prediction tools and conservation analyses do not provide strong support for or against an impact to the protein. In summary, the clinical significance of the p.Thr371Ile variant is uncertain. ACMG/AMP Criteria applied: PM2_supporting (Richards 2015).

Literature cited by the submitters: PubMed 32027066 (cited by Women's Health and Genetics/Laboratory Corporation of America, LabCorp).

NM_000352.6(ABCC8):c.1112C>T (p.Thr371Ile)

Gene: ABCC8 (ATP binding cassette subfamily C member 8; minus strand). Cytogenetic location: 11p15.1.
Variant type: single nucleotide variant.
Coding change: c.1112C>T on transcript NM_000352.6 (MANE Select); coding-DNA position 1112, C replaced by T.
Protein change: p.Thr371Ile; replaces threonine 371 with isoleucine.
Molecular consequence: missense variant. On other transcripts: non-coding transcript variant (1).
Genome position (GRCh38, 1-based): chr11:17,453,183, G>A on the plus strand (C>T on the coding strand, the complement: ABCC8 is on the minus strand). VCF-style: chr11-17453183-G-A. GRCh37 (hg19) VCF-style: chr11-17474730-G-A.
Other names: NM_001287174.3:c.1112C>T; c.1112C>T, p.Thr371Ile (NM_001287174.3, NM_001351295.2); c.1109C>T, p.Thr370Ile (NM_001351296.2, NM_001351297.2); short protein forms T370I, T371I.
Identifiers: ClinVar variation 2576214 (VCV002576214.2), dbSNP rs1305716949, ClinGen allele CA379770837.
Genomic context (GRCh38, chr11:17,453,183, plus strand): 5'-ATTGCTCCTCTCAAGTTAATTCCAGTTTCAATGGCCACATAGTAGGATGCTTGCAGAAAT[G>A]TCCTTTGCAGTAGGAGGGCAAGGAACAGAAGCACAGCTAAGACGTAGGCATTGGCAAGGA-3'
Protein context (NP_000343.2, residues 361-381): LLFLALLLQR[Thr371Ile]FLQASYYVAI